The following is an entry in ClinVar:

NM_005732.4(RAD50):c.2426T>C (p.Ile809Thr)

Gene: RAD50 (RAD50 double strand break repair protein; plus strand). Cytogenetic location: 5q31.1.
Variant type: single nucleotide variant.
Coding change: c.2426T>C on transcript NM_005732.4 (MANE Select); coding-DNA position 2426, T replaced by C.
Protein change: p.Ile809Thr; replaces isoleucine 809 with threonine.
Molecular consequence: missense variant.
Genome position (GRCh38, 1-based): chr5:132,603,948, T>C. VCF-style: chr5-132603948-T-C. GRCh37 (hg19) VCF-style: chr5-131939640-T-C.
Other names: c.2426T>C (NM_005732.3); short protein forms I809T.
Identifiers: ClinVar variation 2853145 (VCV002853145.4), dbSNP rs1561645189, ClinGen allele CA360955432.

ClinVar aggregate classification (germline): Uncertain significance. Review status: criteria provided, multiple submitters, no conflicts (2 of 4 stars). 2 submissions from 2 submitters: Uncertain significance (2). Last evaluated 2025-01-09.

Conditions:
Hereditary cancer-predisposing syndrome. Also called: Neoplastic Syndromes, Hereditary; Hereditary Cancer Syndrome; Tumor predisposition; Hereditary neoplastic syndrome. Identifiers: Orphanet 140162, MedGen C0027672, MeSH D009386, MONDO:0015356.

Submissions (2):

Ambry Genetics
Classification: Uncertain significance for Hereditary cancer-predisposing syndrome. Last evaluated: 2025-01-09. Review status: criteria provided, single submitter. Criteria: Ambry Variant Classification Scheme 2023. Collection method: clinical testing. Allele origin: germline.
Comment: The p.I809T variant (also known as c.2426T>C), located in coding exon 15 of the RAD50 gene, results from a T to C substitution at nucleotide position 2426. The isoleucine at codon 809 is replaced by threonine, an amino acid with similar properties. This amino acid position is conserved. In addition, this alteration is predicted to be deleterious by in silico analysis. Based on the available evidence, the clinical significance of this variant remains unclear.

Labcorp Genetics (formerly Invitae), Labcorp
Classification: Uncertain significance for Hereditary cancer-predisposing syndrome. Last evaluated: 2023-04-07. Review status: criteria provided, single submitter. Criteria: Invitae Variant Classification Sherloc (09022015). Collection method: clinical testing. Allele origin: germline.
Comment: In summary, the available evidence is currently insufficient to determine the role of this variant in disease. Therefore, it has been classified as a Variant of Uncertain Significance. Advanced modeling of protein sequence and biophysical properties (such as structural, functional, and spatial information, amino acid conservation, physicochemical variation, residue mobility, and thermodynamic stability) performed at Invitae indicates that this missense variant is expected to disrupt RAD50 protein function. This variant has not been reported in the literature in individuals affected with RAD50-related conditions. This variant is not present in population databases (gnomAD no frequency). This sequence change replaces isoleucine, which is neutral and non-polar, with threonine, which is neutral and polar, at codon 809 of the RAD50 protein (p.Ile809Thr).